The following is an entry in ClinVar:

NM_000197.2(HSD17B3):c.852G>A (p.Trp284Ter)

Genes: HSD17B3 (hydroxysteroid 17-beta dehydrogenase 3; minus strand), SLC35D2-HSD17B3 (SLC35D2-HSD17B3 readthrough; minus strand). Cytogenetic location: 9q22.32.
Variant type: single nucleotide variant.
Coding change: c.852G>A on transcript NM_000197.2 (MANE Select); coding-DNA position 852, G replaced by A.
Protein change: p.Trp284Ter; replaces tryptophan 284 with a stop codon.
Molecular consequence: nonsense. On other transcripts: non-coding transcript variant (1).
Genome position (GRCh38, 1-based): chr9:96,235,541, C>T on the plus strand (G>A on the coding strand, the complement: HSD17B3 is on the minus strand). VCF-style: chr9-96235541-C-T. GRCh37 (hg19) VCF-style: chr9-98997823-C-T.
Other names: short protein forms W284*.
Identifiers: ClinVar variation 2735298 (VCV002735298.5), dbSNP rs1334033113, ClinGen allele CA374121926.
Genomic context (GRCh38, chr9:96,235,541, plus strand): 5'-CTTCAGGTATGCCACATAGTGTGTCAGGAGCAGCCTTTGGAAGGCACCGCTGTAGAAGGC[C>T]CAGGCCGGGATCAGGCTCAGAAAGCCCGCCTTAAACAGAGAGAAGCATCAGTGTTGGGGA-3'

ClinVar aggregate classification (germline): Likely pathogenic. Review status: criteria provided, multiple submitters, no conflicts (2 of 4 stars). 2 submissions from 2 submitters: Likely pathogenic (2). Last evaluated 2023-05-23.

Conditions:
Testosterone 17-beta-dehydrogenase deficiency. Also called: 17-beta hydroxysteroid dehydrogenase 3 deficiency; 17 alpha ketosteroid reductase deficiency of testis; 17 alpha KSR deficiency; Neutral 17 beta hydroxysteroid oxidoreductase deficiency; Male pseudoherma-phroditism with gynecomastia; Pseudohermaphroditism male with gynecomastia. Identifiers: Orphanet 752, MedGen C0268296, MONDO:0009916, OMIM 264300. Disease mechanism: loss of function.

Allele frequency attached by ClinVar (database versions not stated): gnomAD exomes below 0.00001; TOPMed below 0.00001.
gnomAD v4.1: 1 of 1,614,094 alleles (0.000062%); highest among the groups gnomAD compares: East Asian, 0.0022%; no homozygotes.

Submissions (2):

Labcorp Genetics (formerly Invitae), Labcorp
Classification: Likely pathogenic. Last evaluated: 2023-05-23. Review status: criteria provided, single submitter. Criteria: Invitae Variant Classification Sherloc (09022015). Collection method: clinical testing. Allele origin: germline.
Comment: In summary, the currently available evidence indicates that the variant is pathogenic, but additional data are needed to prove that conclusively. Therefore, this variant has been classified as Likely Pathogenic. This variant disrupts the C-terminus of the HSD17B3 protein. Other variant(s) that disrupt this region (p.Tyr287*) have been observed in individuals with HSD17B3-related conditions (PMID: 25064799). This suggests that this may be a clinically significant region of the protein. This premature translational stop signal has been observed in individual(s) with 17β-HSD3 deficiency (PMID: 28847746). It has also been observed to segregate with disease in related individuals. This variant is present in population databases (no rsID available, gnomAD 0.006%). This sequence change creates a premature translational stop signal (p.Trp284*) in the HSD17B3 gene. While this is not anticipated to result in nonsense mediated decay, it is expected to disrupt the last 27 amino acid(s) of the HSD17B3 protein.

Juno Genomics, Hangzhou Juno Genomics, Inc
Classification: Likely pathogenic for Testosterone 17-beta-dehydrogenase deficiency. Review status: criteria provided, single submitter. Criteria: ACMG Guidelines, 2015. Collection method: clinical testing. Allele origin: germline.
Comment: Absent from controls (or at extremely low frequency if recessive) in Genome Aggregation Database.;Null variant in a gene where loss of function (LOF) is a known mechanism of disease.;For recessive disorders, detected in trans with a pathogenic variant.;Co-segregation with disease in multiple affected family members.;Patient's phenotype or family history is highly specific for a disease with a single genetic etiology.

Literature cited by the submitters: PubMed 25064799 (cited by Labcorp Genetics (formerly Invitae), Labcorp); PubMed 28847746 (cited by Labcorp Genetics (formerly Invitae), Labcorp).